The following is an entry in ClinVar:

ClinVar aggregate classification (germline): Likely pathogenic (1 of 4 stars; one submission).

Submission:

GeneDx
Classification: Likely pathogenic. Last evaluated: 2018-03-05. Review status: criteria provided, single submitter. Criteria: GeneDx Variant Classification (06012015). Collection method: clinical testing. Allele origin: germline. Affected: yes.
Comment: The c.2867_2868+1dupCCG variant in the CDAN1 gene has been reported previously in the heterozygous state in an individual with congenital dyserythropoietic anemia type I, however a second CDAN1 variant was not identified (Heimpel et al., 2006). This canonical splice site variant is predicted to result in an in-frame insertion of one amino acid. The c.2867_2868+1dupCCG variant is not observed in large population cohorts (Lek et al., 2016). We interpret c.2867_2868+1dupCCG as a likely pathogenic variant.

NM_138477.4(CDAN1):c.2867_2868+1dup

Gene: CDAN1 (codanin 1; minus strand). Cytogenetic location: 15q15.2.
Variant type: Duplication.
Coding change: c.2867_2868+1dup on transcript NM_138477.4 (MANE Select); coding-DNA position 2867 through the canonical splice donor site of the intron after coding-DNA position 2868, 3 bases duplicated (CCG; older notation c.2867_2868+1dupCCG).
Molecular consequence: splice donor variant.
Genome position (GRCh38, 1-based): chr15:42,728,203-42,728,205, CGG duplicated on the plus strand (CCG on the coding strand, the reverse complement: CDAN1 is on the minus strand); duplicating any 3 consecutive bases within chr15:42,728,203-42,728,206 gives the same sequence; the c. name uses the placement nearest the transcript's 3' end. VCF-style (leftmost placement, unchanged base first): chr15-42728202-A-ACGG. GRCh37 (hg19) VCF-style: chr15-43020400-A-ACGG.
Other names: c.2867_2868+1dupCCG (NM_138477.2).
Identifiers: ClinVar variation 504472 (VCV000504472.1), dbSNP rs1555414654, ClinGen allele CA658798305.